The following is an entry in ClinVar:

ClinVar aggregate classification (germline): Uncertain significance (1 of 4 stars; one submission).

gnomAD v4.1: 2 of 1,614,074 alleles (0.00012%); highest among the groups gnomAD compares: East Asian, 0.0022%; no homozygotes.

Submission:

Ambry Genetics
Classification: Uncertain significance. Last evaluated: 2024-02-27. Review status: criteria provided, single submitter. Criteria: Ambry Variant Classification Scheme 2023. Collection method: clinical testing. Allele origin: germline.
Comment: The p.R72L variant (also known as c.215G>T), located in coding exon 1 of the MLH3 gene, results from a G to T substitution at nucleotide position 215. The arginine at codon 72 is replaced by leucine, an amino acid with dissimilar properties. This amino acid position is conserved. In addition, this alteration is predicted to be deleterious by in silico analysis. Since supporting evidence is limited at this time, the clinical significance of this alteration remains unclear.

NM_001040108.2(MLH3):c.215G>T (p.Arg72Leu)

Gene: MLH3 (mutL homolog 3; minus strand). Cytogenetic location: 14q24.3.
Variant type: single nucleotide variant.
Coding change: c.215G>T on transcript NM_001040108.2 (MANE Select); coding-DNA position 215, G replaced by T.
Protein change: p.Arg72Leu; replaces arginine 72 with leucine.
Molecular consequence: missense variant.
Genome position (GRCh38, 1-based): chr14:75,049,441, C>A on the plus strand (G>T on the coding strand, the complement: MLH3 is on the minus strand). VCF-style: chr14-75049441-C-A. GRCh37 (hg19) VCF-style: chr14-75516144-C-A.
Other names: c.215G>T, p.Arg72Leu (NM_014381.3); short protein forms R72L.
Identifiers: ClinVar variation 1786880 (VCV001786880.2), dbSNP rs748434126, ClinGen allele CA390451330.